The following is an entry in ClinVar:

ClinVar aggregate classification (germline): Conflicting classifications of pathogenicity. Review status: criteria provided, conflicting classifications (1 of 4 stars). 9 submissions from 8 submitters: Uncertain significance (4); Benign (1); Likely benign (3). 1 of the submissions does not count toward it. Last evaluated 2026-01-20.

Conditions:
Hereditary cancer-predisposing syndrome. Also called: Tumor predisposition; Hereditary neoplastic syndrome; Neoplastic Syndromes, Hereditary; Hereditary Cancer Syndrome. Identifiers: Orphanet 140162, MedGen C0027672, MeSH D009386, MONDO:0015356.
Cardiovascular phenotype. Identifiers: MedGen CN230736.
Neurofibromatosis, type 1 (NF1). Also called: Neurofibromatosis, type I; VON RECKLINGHAUSEN DISEASE; NEUROFIBROMATOSIS, TYPE I, SOMATIC; Peripheral type neurofibromatosis. Identifiers: Orphanet 636, MedGen C0027831, MONDO:0018975, OMIM 162200. Disease mechanism: loss of function.

Allele frequency attached by ClinVar (database versions not stated): gnomAD 0.00001 and 0.00003; ExAC 0.00002; gnomAD exomes 0.00002; ESP Exome Variant Server 0.00008; 1000 Genomes Project 30x 0.00031.
gnomAD v4.1: 32 of 1,614,014 alleles (0.002%); highest among the groups gnomAD compares: South Asian, 0.014%; 1 homozygote.

Submissions (9):

Labcorp Genetics (formerly Invitae), Labcorp
Classification: Benign for Neurofibromatosis, type 1. Last evaluated: 2026-01-20. Review status: criteria provided, single submitter. Criteria: Invitae Variant Classification Sherloc (09022015). Collection method: clinical testing. Allele origin: germline.

Quest Diagnostics Nichols Institute San Juan Capistrano
Classification: Uncertain significance. Last evaluated: 2024-08-21. Review status: criteria provided, single submitter. Criteria: Quest Diagnostics criteria. Collection method: clinical testing. Allele origin: unknown.

Blueprint Genetics
Classification: Likely benign. Last evaluated: 2024-05-17. Review status: criteria provided, single submitter. Criteria: ACMG Guidelines, 2015. Collection method: clinical testing. Allele origin: germline.

St. Jude Molecular Pathology, St. Jude Children's Research Hospital
Classification: Uncertain significance for Neurofibromatosis, type 1. Last evaluated: 2023-07-25. Review status: criteria provided, single submitter. Criteria: St. Jude Assertion Criteria 2020. Collection method: clinical testing. Allele origin: germline.
Comment: The NF1 c.8452G>A (p.Val2818Met) missense change has a maximum subpopulation frequency of 0.0065% in gnomAD v2.1.1. The in silico tool REVEL predicts a benign effect on protein function, but to our knowledge this prediction has not been confirmed by functional studies. This variant has been reported in a large case-control study of breast cancer in 8 of 60,466 cases and 9 of 53,461 controls (PMID: 33471991). To our knowledge, this variant has not been reported in individuals with Neurofibromatosis type 1. In summary, the evidence currently available is insufficient to determine the clinical significance of this variant. It has therefore been classified as of uncertain significance.

GeneDx
Classification: Uncertain significance. Last evaluated: 2021-11-02. Review status: criteria provided, single submitter. Criteria: GeneDx Variant Classification Process June 2021. Collection method: clinical testing. Allele origin: germline. Affected: yes.
Comment: Observed in individuals with sarcoma (Ballinger 2016); Reported in healthy controls, but not in any cases from a breast cancer study (Momozawa 2018); In silico analysis supports that this missense variant does not alter protein structure/function; Also known as p.Val2839Met; This variant is associated with the following publications: (PMID: 24728327, 23656349, 30287823, 27498913)

Sema4
Classification: Uncertain significance for Hereditary cancer-predisposing syndrome. Last evaluated: 2021-06-03. Review status: criteria provided, single submitter. Criteria: Sema4 Curation Guidelines. Collection method: curation. Allele origin: germline.
Comment: To the best of our knowledge, the NF1 c.8452G>A (p.V2818M) variant has not been reported in individuals with NF1-related disease. It has been reported in a large case-control study of breast cancer in 8/60466 cases and 9/53461 controls (PMID: 33471991). It was observed in 2/30612 chromosomes of the South Asian subpopulation in the large and broad cohorts of the Genome Aggregation Database. The variant has been reported in ClinVar (Variation ID 134891). In silico tools suggest the impact of the variant on protein function is benign, though these predictions have not been confirmed by functional studies. The evidence is insufficient to meet ACMG/AMP criteria for classifying the variant as benign or pathogenic. Thus, the clinical significance of this variant is currently uncertain.

Ambry Genetics
Classification: Likely benign for Cardiovascular phenotype; Hereditary cancer-predisposing syndrome. Last evaluated: 2020-06-03. Review status: criteria provided, single submitter. Criteria: Ambry Variant Classification Scheme 2023. Collection method: clinical testing. Allele origin: germline.

Ambry Genetics
Classification: Likely benign for Hereditary cancer-predisposing syndrome. Last evaluated: 2015-11-13. Review status: criteria provided, single submitter. Criteria: Ambry Autosomal Dominant and X-Linked criteria (10/2015). Collection method: clinical testing. Allele origin: germline. Observed: 1 variant allele.
Comment: Insufficient or conflicting evidence

ITMI
No classification provided. Condition: AllHighlyPenetrant. Last evaluated: 2013-09-19. Review status: no classification provided. Collection method: reference population. Allele origin: germline. Not counted in ClinVar's aggregate classification.
Comment: Please see associated publication for description of ethnicities

Literature cited by the submitters: PubMed 24728327 (cited by Quest Diagnostics Nichols Institute San Juan Capistrano and ITMI); PubMed 30287823 (cited by Quest Diagnostics Nichols Institute San Juan Capistrano); PubMed 23656349 (cited by Quest Diagnostics Nichols Institute San Juan Capistrano); PubMed 36243179 (cited by Quest Diagnostics Nichols Institute San Juan Capistrano); PubMed 33471991 (cited by Sema4).

NM_001042492.3(NF1):c.8515G>A (p.Val2839Met)

Gene: NF1 (neurofibromin 1; plus strand). Cytogenetic location: 17q11.2.
Variant type: single nucleotide variant.
Coding change: c.8515G>A on transcript NM_001042492.3 (MANE Select); coding-DNA position 8515, G replaced by A.
Protein change: p.Val2839Met; replaces valine 2839 with methionine.
Molecular consequence: missense variant.
Genome position (GRCh38, 1-based): chr17:31,374,150, G>A. VCF-style: chr17-31374150-G-A. GRCh37 (hg19) VCF-style: chr17-29701168-G-A.
Other names: c.8452G>A, p.Val2818Met (NM_000267.4); short protein forms V2818M, V2839M.
Identifiers: ClinVar variation 134891 (VCV000134891.23), dbSNP rs368149035, ClinGen allele CA161080.